The following is an entry in ClinVar:

ClinVar aggregate classification (germline): Likely benign. Review status: criteria provided, multiple submitters, no conflicts (2 of 4 stars). 2 submissions from 2 submitters: Likely benign (2). Last evaluated 2025-10-22.

Conditions:
NRL-related disorder. Also called: NRL-related condition.

gnomAD v4.1: 18 of 1,613,370 alleles (0.0011%); highest among the groups gnomAD compares: Admixed American, 0.0017%; no homozygotes.

Submissions (2):

PreventionGenetics, part of Exact Sciences
Classification: Likely benign for NRL-related condition. Last evaluated: 2025-10-22. Review status: criteria provided, single submitter. Criteria: ACMG Guidelines, 2015. Collection method: clinical testing. Allele origin: germline.
Comment: This variant is classified as likely benign based on ACMG/AMP sequence variant interpretation guidelines (Richards et al. 2015 PMID: 25741868, with internal and published modifications).

Blueprint Genetics
Classification: Likely benign. Last evaluated: 2022-05-20. Review status: criteria provided, single submitter. Criteria: ACMG Guidelines, 2015. Collection method: clinical testing. Allele origin: germline.

NM_001354768.3(NRL):c.312A>G (p.Pro104=)

Gene: NRL (neural retina leucine zipper; minus strand). Cytogenetic location: 14q11.2.
Variant type: single nucleotide variant.
Coding change: c.312A>G on transcript NM_001354768.3 (MANE Select); coding-DNA position 312, A replaced by G.
Protein change: p.Pro104=; no amino-acid change (proline 104 retained).
Molecular consequence: synonymous variant. On other transcripts: intron variant (1).
Genome position (GRCh38, 1-based): chr14:24,082,537, T>C on the plus strand (A>G on the coding strand, the complement: NRL is on the minus strand). VCF-style: chr14-24082537-T-C. GRCh37 (hg19) VCF-style: chr14-24551746-T-C.
Other names: c.312A>G (NM_006177.3); c.312A>G, p.Pro104= (NM_001354769.1, NM_006177.5); c.66+246A>G (NM_001354770.2).
Identifiers: ClinVar variation 4921349 (VCV004921349.2).